The following is an entry in ClinVar:

ClinVar aggregate classification (germline): Uncertain significance (1 of 4 stars; one submission).

Conditions:
Early Myoclonic Encephalopathy. Identifiers: MedGen C0270855.

Submission:

Labcorp Genetics (formerly Invitae), Labcorp
Classification: Uncertain significance for Early Myoclonic Encephalopathy. Last evaluated: 2018-12-18. Review status: criteria provided, single submitter. Criteria: Invitae Variant Classification Sherloc (09022015). Collection method: clinical testing. Allele origin: germline.
Comment: This sequence change replaces tyrosine with histidine at codon 1927 of the JMJD1C protein (p.Tyr1927His). The tyrosine residue is moderately conserved and there is a moderate physicochemical difference between tyrosine and histidine. In summary, the available evidence is currently insufficient to determine the role of this variant in disease. Therefore, it has been classified as a Variant of Uncertain Significance. Algorithms developed to predict the effect of missense changes on protein structure and function are either unavailable or do not agree on the potential impact of this missense change (SIFT: "Deleterious"; PolyPhen-2: "Benign"; Align-GVGD: "Class C25"). This variant has not been reported in the literature in individuals with JMJD1C-related disease. This variant is not present in population databases (ExAC no frequency).

NM_032776.3(JMJD1C):c.5779T>C (p.Tyr1927His)

Gene: JMJD1C (jumonji domain containing 1C; minus strand). Cytogenetic location: 10q21.3.
Variant type: single nucleotide variant.
Coding change: c.5779T>C on transcript NM_032776.3 (MANE Select); coding-DNA position 5779, T replaced by C.
Protein change: p.Tyr1927His; replaces tyrosine 1927 with histidine.
Molecular consequence: missense variant. On other transcripts: non-coding transcript variant (1).
Genome position (GRCh38, 1-based): chr10:63,193,428, A>G on the plus strand (T>C on the coding strand, the complement: JMJD1C is on the minus strand). VCF-style: chr10-63193428-A-G. GRCh37 (hg19) VCF-style: chr10-64953188-A-G.
Other names: c.5233T>C, p.Tyr1745His (NM_001282948.2, NM_001318154.2); c.4915T>C, p.Tyr1639His (NM_001318153.2); c.5665T>C, p.Tyr1889His (NM_001322252.2); c.5122T>C, p.Tyr1708His (NM_001322254.2, NM_001322258.2); short protein forms Y1639H, Y1708H, Y1745H, Y1927H, Y1889H.
Identifiers: ClinVar variation 655304 (VCV000655304.8), dbSNP rs1589111935, ClinGen allele CA377027759.